The following is an entry in ClinVar:

NM_004655.4(AXIN2):c.740T>C (p.Val247Ala)

Gene: AXIN2 (axin 2; minus strand). Cytogenetic location: 17q24.1.
Variant type: single nucleotide variant.
Coding change: c.740T>C on transcript NM_004655.4 (MANE Select); coding-DNA position 740, T replaced by C.
Protein change: p.Val247Ala; replaces valine 247 with alanine.
Molecular consequence: missense variant.
Genome position (GRCh38, 1-based): chr17:65,557,881, A>G on the plus strand (T>C on the coding strand, the complement: AXIN2 is on the minus strand). VCF-style: chr17-65557881-A-G. GRCh37 (hg19) VCF-style: chr17-63553999-A-G.
Other names: c.740T>C, p.Val247Ala (NM_001363813.1); short protein forms V247A.
Identifiers: ClinVar variation 1758786 (VCV001758786.2), dbSNP rs2544247670, ClinGen allele CA400680371.

ClinVar aggregate classification (germline): Uncertain significance (1 of 4 stars; one submission).

Conditions:
Hereditary cancer-predisposing syndrome. Also called: Neoplastic Syndromes, Hereditary; Tumor predisposition; Hereditary Cancer Syndrome; Hereditary neoplastic syndrome. Identifiers: Orphanet 140162, MedGen C0027672, MeSH D009386, MONDO:0015356.

Submission:

Ambry Genetics
Classification: Uncertain significance for Hereditary cancer-predisposing syndrome. Last evaluated: 2021-09-30. Review status: criteria provided, single submitter. Criteria: Ambry Variant Classification Scheme 2023. Collection method: clinical testing. Allele origin: germline.
Comment: The p.V247A variant (also known as c.740T>C), located in coding exon 1 of the AXIN2 gene, results from a T to C substitution at nucleotide position 740. The valine at codon 247 is replaced by alanine, an amino acid with similar properties. This amino acid position is conserved. In addition, this alteration is predicted to be tolerated by in silico analysis. Since supporting evidence is limited at this time, the clinical significance of this alteration remains unclear.